The following is an entry in ClinVar:

NM_001267550.2(TTN):c.39942_39943insTCTTTAA (p.Val13315fs)

Gene: TTN (titin; minus strand). Cytogenetic location: 2q31.2.
Variant type: Insertion.
Coding change: c.39942_39943insTCTTTAA on transcript NM_001267550.2 (MANE Select); coding-DNA positions 39942 to 39943, TCTTTAA inserted.
Protein change: p.Val13315fs; shifts the reading frame from valine 13315.
Molecular consequence: frameshift variant. On other transcripts: intron variant (5).
Genome position: GRCh38 VCF-style: chr2-178649584-C-CTTAAAGA. GRCh37 (hg19) VCF-style: chr2-179514311-C-CTTAAAGA.
Other names: c.13283-7268_13283-7267insTCTTTAA (NM_003319.4); c.13859-7268_13859-7267insTCTTTAA (NM_133437.4); c.13658-7268_13658-7267insTCTTTAA (NM_133432.3); c.32593+232_32593+233insTCTTTAA (NM_133378.4); c.35374+232_35374+233insTCTTTAA (NM_001256850.1); short protein forms V13315fs.
Identifiers: ClinVar variation 4784486 (VCV004784486.1).
Genomic context (GRCh38, chr2:178,649,584, plus strand): 5'-TTTTTATGATGCCAACGATGAAGTGAATACCTTTAGCTGCTGGTGTTTCTGGCTTCTTAA[C>CTTAAAGA]AGTTGGGACCTTCTTCACTGGAACAACTTTCTTTGGCATCTCAGGTTCTTTAAAGATATC-3'

ClinVar aggregate classification (germline): Likely pathogenic (1 of 4 stars; one submission).

Conditions:
Dilated cardiomyopathy 1G (CMD1G). Identifiers: Orphanet 154, MedGen C1858763, MONDO:0011400, OMIM 604145.
Autosomal recessive limb-girdle muscular dystrophy type 2J (LGMDR10). Also called: Limb-girdle muscular dystrophy, type 2J; MUSCULAR DYSTROPHY, LIMB-GIRDLE, AUTOSOMAL RECESSIVE 10. Identifiers: Orphanet 140922, MedGen C1837342, MONDO:0012127, OMIM 608807.

Submission:

Labcorp Genetics (formerly Invitae), Labcorp
Classification: Likely pathogenic for Dilated cardiomyopathy 1G; Autosomal recessive limb-girdle muscular dystrophy type 2J. Last evaluated: 2025-07-04. Review status: criteria provided, single submitter. Criteria: Invitae Variant Classification Sherloc (09022015). Collection method: clinical testing. Allele origin: germline.
Comment: This sequence change creates a premature translational stop signal (p.Val13315Serfs*4) in the TTN gene. While this is not anticipated to result in nonsense mediated decay, it is expected to create a truncated TTN protein. This variant is not present in population databases (gnomAD no frequency). This variant has not been reported in the literature in individuals affected with TTN-related conditions. Algorithms developed to predict the effect of sequence changes on RNA splicing suggest that this variant may disrupt the consensus splice site. This variant is located in the I band of TTN (PMID: 25589632). Truncating variants in this region have been reported in individuals affected with autosomal recessive centronuclear myopathy (PMID: 23975875, internal data). Truncating variants in this region have also been identified in individuals affected with autosomal dominant dilated cardiomyopathy and/or cardio-related conditions (PMID: 27869827, 32964742, internal data). In summary, the currently available evidence indicates that the variant is pathogenic, but additional data are needed to prove that conclusively. Therefore, this variant has been classified as Likely Pathogenic.

Literature cited by the submitters: PubMed 25589632; PubMed 23975875; PubMed 27869827; PubMed 32964742.